The following is an entry in ClinVar:

NM_001244008.2(KIF1A):c.2582+6C>T

Gene: KIF1A (kinesin family member 1A; minus strand). Cytogenetic location: 2q37.3.
Variant type: single nucleotide variant.
Coding change: c.2582+6C>T on transcript NM_001244008.2 (MANE Select); 6 bases into the intron after coding-DNA position 2582, C replaced by T.
Molecular consequence: intron variant.
Genome position (GRCh38, 1-based): chr2:240,758,354, G>A on the plus strand (C>T on the coding strand, the complement: KIF1A is on the minus strand). VCF-style: chr2-240758354-G-A. GRCh37 (hg19) VCF-style: chr2-241697771-G-A.
Other names: p.?; c.2555+6C>T (NM_004321.7, NM_001379653.1, NM_001379650.1 and 11 more transcripts); c.2657+6C>T (NM_001379635.1, NM_001330290.2, NM_001379646.1 and 2 more transcripts); c.2630+6C>T (NM_001379637.1, NM_001379648.1); c.2582+6C>T (NM_001320705.2, NM_001379638.1, NM_001330289.2).
Identifiers: ClinVar variation 1943615 (VCV001943615.6), dbSNP rs553584258, ClinGen allele CA2208068.

ClinVar aggregate classification (germline): Conflicting classifications of pathogenicity. Review status: criteria provided, conflicting classifications (1 of 4 stars). 2 submissions from 2 submitters: Uncertain significance (1); Likely benign (1). Last evaluated 2025-04-08.

Conditions:
Hereditary spastic paraplegia 30. Identifiers: Orphanet 101010, MedGen C5235139, MONDO:0012476.
Neuropathy, hereditary sensory, type 2C. Also called: Hereditary sensory and autonomic neuropathy type IIC; KIF1A-Related HSAN2 (HSAN2C). Identifiers: Orphanet 970, MedGen C3280168, MONDO:0013634, OMIM 614213.
Intellectual disability, autosomal dominant 9 (NESCAVS). Also called: NESCAV SYNDROME; KIF1A-Related Neurodevelopmental Disorder. Identifiers: Orphanet 662367, MedGen C5393830, MONDO:0013656, OMIM 614255.

Allele frequency attached by ClinVar (database versions not stated): gnomAD 0.00001; gnomAD exomes 0.00003; ExAC 0.00004; 1000 Genomes Project 30x 0.00016; 1000 Genomes Project 0.00020.
gnomAD v4.1: 38 of 1,607,294 alleles (0.0024%); highest among the groups gnomAD compares: South Asian, 0.0078%; no homozygotes.

Submissions (2):

Mayo Clinic Laboratories, Mayo Clinic
Classification: Likely benign. Last evaluated: 2025-04-08. Review status: criteria provided, single submitter. Criteria: ACMG Guidelines, 2015. Collection method: clinical testing. Allele origin: germline. Observed: 1 variant allele.
Comment: BP4, BP7

Labcorp Genetics (formerly Invitae), Labcorp
Classification: Uncertain significance for Hereditary spastic paraplegia 30; Neuropathy, hereditary sensory, type 2C; Intellectual disability, autosomal dominant 9. Last evaluated: 2024-10-01. Review status: criteria provided, single submitter. Criteria: Invitae Variant Classification Sherloc (09022015). Collection method: clinical testing. Allele origin: germline.
Comment: This sequence change falls in intron 24 of the KIF1A gene. It does not directly change the encoded amino acid sequence of the KIF1A protein. It affects a nucleotide within the consensus splice site. This variant is present in population databases (rs553584258, gnomAD 0.02%). This variant has not been reported in the literature in individuals affected with KIF1A-related conditions. ClinVar contains an entry for this variant (Variation ID: 1943615). Variants that disrupt the consensus splice site are a relatively common cause of aberrant splicing (PMID: 17576681, 9536098). Algorithms developed to predict the effect of sequence changes on RNA splicing suggest that this variant is not likely to affect RNA splicing. In summary, the available evidence is currently insufficient to determine the role of this variant in disease. Therefore, it has been classified as a Variant of Uncertain Significance.

Literature cited by the submitters: PubMed 17576681 (cited by Labcorp Genetics (formerly Invitae), Labcorp); PubMed 9536098 (cited by Labcorp Genetics (formerly Invitae), Labcorp).